The following is an entry in ClinVar:

ClinVar aggregate classification (germline): Uncertain significance (1 of 4 stars; one submission).

Submission:

GeneDx
Classification: Uncertain significance. Last evaluated: 2025-03-28. Review status: criteria provided, single submitter. Criteria: GeneDx Variant Classification Process June 2021. Collection method: clinical testing. Allele origin: germline. Affected: yes.
Comment: Not observed at significant frequency in large population cohorts (gnomAD); In silico analysis supports that this missense variant has a deleterious effect on protein structure/function; Has not been previously published as pathogenic or benign to our knowledge

NM_003660.4(PPFIA3):c.524G>C (p.Arg175Pro)

Gene: PPFIA3 (PPFI scaffold protein A3; plus strand). Cytogenetic location: 19q13.33.
Variant type: single nucleotide variant.
Coding change: c.524G>C on transcript NM_003660.4 (MANE Select); coding-DNA position 524, G replaced by C.
Protein change: p.Arg175Pro; replaces arginine 175 with proline.
Molecular consequence: missense variant. On other transcripts: non-coding transcript variant (1).
Genome position (GRCh38, 1-based): chr19:49,129,396, G>C. VCF-style: chr19-49129396-G-C. GRCh37 (hg19) VCF-style: chr19-49632653-G-C.
Other names: short protein forms R175P.
Identifiers: ClinVar variation 4088066 (VCV004088066.1).